The following is an entry in ClinVar:

NM_006912.6(RIT1):c.326A>T (p.His109Leu)

Gene: RIT1 (Ras like without CAAX 1; minus strand). Cytogenetic location: 1q22.
Variant type: single nucleotide variant.
Coding change: c.326A>T on transcript NM_006912.6 (MANE Select); coding-DNA position 326, A replaced by T.
Protein change: p.His109Leu; replaces histidine 109 with leucine.
Molecular consequence: missense variant.
Genome position (GRCh38, 1-based): chr1:155,904,414, T>A on the plus strand (A>T on the coding strand, the complement: RIT1 is on the minus strand). VCF-style: chr1-155904414-T-A. GRCh37 (hg19) VCF-style: chr1-155874205-T-A.
Other names: c.218A>T, p.His73Leu (NM_001256820.2); c.377A>T, p.His126Leu (NM_001256821.2); short protein forms H109L, H126L, H73L.
Identifiers: ClinVar variation 1327314 (VCV001327314.9), dbSNP rs1407666045, ClinGen allele CA342802504.
Genomic context (GRCh38, chr1:155,904,414, plus strand): 5'-ACAGGTGTATCGTCAGTACGTCGGACTCGATAAATAAGCTGTTTAAACTCACGAACTTCA[T>A]GGAAACTTCGACGATCCGTGATAGAGTAACAGATGATAAACCCTTCTCCTGCCCTCATAT-3'
Protein context (NP_008843.1, residues 99-119): CYSITDRRSF[His109Leu]EVREFKQLIY

ClinVar aggregate classification (germline): Uncertain significance. Review status: criteria provided, multiple submitters, no conflicts (2 of 4 stars). 3 submissions from 3 submitters: Uncertain significance (3). Last evaluated 2024-08-20.

Conditions:
Noonan syndrome 8 (NS8). Identifiers: Orphanet 648, MedGen C3809233, MONDO:0014143, OMIM 615355.

Allele frequency attached by ClinVar (database versions not stated): gnomAD exomes below 0.00001.

Submissions (3):

GeneDx
Classification: Uncertain significance. Last evaluated: 2024-08-20. Review status: criteria provided, single submitter. Criteria: GeneDx Variant Classification Process June 2021. Collection method: clinical testing. Allele origin: germline. Affected: yes.
Comment: In silico analysis supports that this missense variant has a deleterious effect on protein structure/function; Has not been previously published as pathogenic or benign to our knowledge

Genome-Nilou Lab
Classification: Uncertain significance for Noonan syndrome 8. Last evaluated: 2023-04-11. Review status: criteria provided, single submitter. Criteria: ACMG Guidelines, 2015. Collection method: clinical testing. Allele origin: germline. Affected: no.

Labcorp Genetics (formerly Invitae), Labcorp
Classification: Uncertain significance for Noonan syndrome 8. Last evaluated: 2021-09-21. Review status: criteria provided, single submitter. Criteria: Invitae Variant Classification Sherloc (09022015). Collection method: clinical testing. Allele origin: germline.
Comment: In summary, the available evidence is currently insufficient to determine the role of this variant in disease. Therefore, it has been classified as a Variant of Uncertain Significance. Advanced modeling of protein sequence and biophysical properties (such as structural, functional, and spatial information, amino acid conservation, physicochemical variation, residue mobility, and thermodynamic stability) performed at Invitae indicates that this missense variant is not expected to disrupt RIT1 protein function. This variant has not been reported in the literature in individuals affected with RIT1-related conditions. This variant is not present in population databases (ExAC no frequency). This sequence change replaces histidine with leucine at codon 109 of the RIT1 protein (p.His109Leu). The histidine residue is highly conserved and there is a moderate physicochemical difference between histidine and leucine.